The following is an entry in ClinVar:

NM_000393.5(COL5A2):c.2908G>A (p.Asp970Asn)

Gene: COL5A2 (collagen type V alpha 2 chain; minus strand). Cytogenetic location: 2q32.2.
Variant type: single nucleotide variant.
Coding change: c.2908G>A on transcript NM_000393.5 (MANE Select); coding-DNA position 2908, G replaced by A.
Protein change: p.Asp970Asn; replaces aspartic acid 970 with asparagine.
Molecular consequence: missense variant.
Genome position (GRCh38, 1-based): chr2:189,051,343, C>T on the plus strand (G>A on the coding strand, the complement: COL5A2 is on the minus strand). VCF-style: chr2-189051343-C-T. GRCh37 (hg19) VCF-style: chr2-189916069-C-T.
Other names: short protein forms D970N.
Identifiers: ClinVar variation 1310959 (VCV001310959.2), dbSNP rs2105558665, ClinGen allele CA349867484.

ClinVar aggregate classification (germline): Uncertain significance (1 of 4 stars; one submission).

Submission:

GeneDx
Classification: Uncertain significance. Last evaluated: 2019-12-19. Review status: criteria provided, single submitter. Criteria: GeneDx Variant Classification Process June 2021. Collection method: clinical testing. Allele origin: germline. Affected: yes.
Comment: Not observed in large population cohorts (Lek et al., 2016); In silico analysis, which includes protein predictors and evolutionary conservation, supports that this variant does not alter protein structure/function; Has not been previously published as pathogenic or benign to our knowledge